The following is an entry in ClinVar:

ClinVar aggregate classification (germline): Pathogenic (1 of 4 stars; one submission).

Conditions:
Lymphoproliferative syndrome 2 (LPFS2). Also called: Combined immunodeficiency due to CD27 deficiency; CD27 DEFICIENCY. Identifiers: Orphanet 238505, MedGen C3554540, MONDO:0014054, OMIM 615122.

Submission:

Labcorp Genetics (formerly Invitae), Labcorp
Classification: Pathogenic for Lymphoproliferative syndrome 2. Last evaluated: 2024-06-19. Review status: criteria provided, single submitter. Criteria: Invitae Variant Classification Sherloc (09022015). Collection method: clinical testing. Allele origin: germline.
Comment: This sequence change creates a premature translational stop signal (p.Gln134Argfs*3) in the CD27 gene. It is expected to result in an absent or disrupted protein product. Loss-of-function variants in CD27 are known to be pathogenic (PMID: 25843314). This variant is not present in population databases (gnomAD no frequency). This variant has not been reported in the literature in individuals affected with CD27-related conditions. For these reasons, this variant has been classified as Pathogenic.

Literature cited by the submitters: PubMed 25843314.

NM_001242.5(CD27):c.399del (p.Gln134fs)

Genes: CD27 (CD27 molecule; plus strand), CD27-AS1 (CD27 antisense RNA 1; minus strand). Cytogenetic location: 12p13.31.
Variant type: Deletion.
Coding change: c.399del on transcript NM_001242.5 (MANE Select); coding-DNA position 399, one base deleted (T; older notation c.399delT).
Protein change: p.Gln134fs; shifts the reading frame from glutamine 134.
Molecular consequence: frameshift variant. On other transcripts: 5 prime UTR variant (3), non-coding transcript variant (4), intron variant (1).
Genome position (GRCh38, 1-based): chr12:6,450,303, T deleted. VCF-style (leftmost placement, unchanged base first): chr12-6450302-CT-C. GRCh37 (hg19) VCF-style: chr12-6559468-CT-C.
Other names: c.492del, p.Gln165fs (NM_001413263.1); c.372del, p.Gln125fs (NM_001413264.1); c.-52del (NM_001413266.1, NM_001413267.1, NM_001413268.1); c.269-238del (NM_001413265.1); short protein forms Q125fs, Q165fs, Q134fs.
Identifiers: ClinVar variation 3657123 (VCV003657123.2).
Genomic context (GRCh38, chr12:6,450,302, plus strand): 5'-GGGACAAGGAGTGCACCGAGTGTGATCCTCTTCCAAACCCTTCGCTGACCGCTCGGTCGT[CT>C]CAGGCCCTGAGCCCACACCCTCAGCCCACCCACTTACCTTATGTCAGTGGTAAGTTCCAG-3'